The following is an entry in ClinVar:

ClinVar aggregate classification (germline): Uncertain significance (1 of 4 stars; one submission).

Conditions:
Charcot-Marie-Tooth Disease, axonal, type 2GG (CMT2GG). Also called: Charcot-Marie-Tooth disease dominant intermediate II; Charcot-Marie-Tooth neuropathy, type 2GG; Charcot-Marie-Tooth neuropathy, axonal, type 2GG. Identifiers: Orphanet 100043, MedGen C5561933, MONDO:0011675, OMIM 606483.

Allele frequency attached by ClinVar (database versions not stated): gnomAD exomes below 0.00001 and 0.00001; ExAC 0.00001; TOPMed 0.00001.
gnomAD v4.1: 12 of 1,613,948 alleles (0.00074%); highest among the groups gnomAD compares: Admixed American, 0.0017%; no homozygotes.

Submission:

Victorian Clinical Genetics Services, Murdoch Childrens Research Institute
Classification: Uncertain significance for Charcot-Marie-Tooth Disease, axonal, type 2GG. Last evaluated: 2022-02-02. Review status: criteria provided, single submitter. Criteria: ACMG Guidelines, 2015. Collection method: clinical testing. Allele origin: germline. Inheritance: Autosomal dominant inheritance. Affected: yes.
Comment: Based on the classification scheme VCGS_Germline_v1.3.4, this variant is classified as VUS-3B. Following criteria are met: 0105 - The mechanism of disease for this gene is not clearly established. However, loss-of-function is postulated (PMID: 32937143). (I) 0107 - This gene is associated with autosomal dominant disease. (I) 0200 - Variant is predicted to result in a missense amino acid change from alanine to valine. (I) 0251 - This variant is heterozygous. (I) 0302 - Variant is present in gnomAD <0.001 for a dominant condition (v2: 1 heterozygote, 0 homozygotes). (SP) 0502 - Missense variant with conflicting in silico predictions and uninformative conservation. (I) 0604 - Variant is not located in an established domain, motif, hotspot or informative constraint region. (I) 0705 - No comparable missense variants have previous evidence for pathogenicity. (I) 0807 - This variant has no previous evidence of pathogenicity. (I) 0905 - No published segregation evidence has been identified for this variant. (I) 1007 - No published functional evidence has been identified for this variant. (I) 1208 - Inheritance information for this variant is not currently available in this individual. (I) Legend: (SP) - Supporting pathogenic, (I) - Information, (SB) - Supporting benign

Literature cited by the submitters: PubMed 32937143.

NM_001377137.1(GBF1):c.5501C>T (p.Ala1834Val)

Gene: GBF1 (golgi brefeldin A resistant guanine nucleotide exchange factor 1; plus strand). Cytogenetic location: 10q24.32.
Variant type: single nucleotide variant.
Coding change: c.5501C>T on transcript NM_001377137.1 (MANE Select); coding-DNA position 5501, C replaced by T.
Protein change: p.Ala1834Val; replaces alanine 1834 with valine.
Molecular consequence: missense variant. On other transcripts: non-coding transcript variant (5).
Genome position (GRCh38, 1-based): chr10:102,382,254, C>T. VCF-style: chr10-102382254-C-T. GRCh37 (hg19) VCF-style: chr10-104142011-C-T.
Other names: c.5489C>T, p.Ala1830Val (NM_001199378.2, NM_001391923.1); c.5486C>T, p.Ala1829Val (NM_001199379.2, NM_001391924.1); c.5450C>T, p.Ala1817Val (NM_001377138.1); c.5204C>T, p.Ala1735Val (NM_001377139.1, NM_001391930.1); c.5192C>T, p.Ala1731Val (NM_001377140.1); c.5498C>T, p.Ala1833Val (NM_001377141.1, NM_004193.3); c.5585C>T, p.Ala1862Val (NM_001391922.1); c.5462C>T, p.Ala1821Val (NM_001391925.1); and 5 more; short protein forms A1703V, A1731V, A1735V, A1750V, A1782V, A1786V, A1817V, A1818V.
Identifiers: ClinVar variation 1699409 (VCV001699409.3), dbSNP rs770517190, ClinGen allele CA5664357.
Genomic context (GRCh38, chr10:102,382,254, plus strand): 5'-TGGCCTCCCCACTGCAGGTGGGCGTGCCACCTATGACTCTGCCCATCATCCTCAACCCTG[C>T]GCTCATCGAGGCCACCTCACCAGTGCCCCTCCTGGCCACACCCCGCCCCACAGATCCCAT-3'
Protein context (NP_001364066.1, residues 1824-1844): PMTLPIILNP[Ala1834Val]LIEATSPVPL